The following is an entry in ClinVar:

NM_006231.4(POLE):c.2411T>A (p.Leu804Gln)

Gene: POLE (DNA polymerase epsilon, catalytic subunit; minus strand). Cytogenetic location: 12q24.33.
Variant type: single nucleotide variant.
Coding change: c.2411T>A on transcript NM_006231.4 (MANE Select); coding-DNA position 2411, T replaced by A.
Protein change: p.Leu804Gln; replaces leucine 804 with glutamine.
Molecular consequence: missense variant.
Genome position (GRCh38, 1-based): chr12:132,665,359, A>T on the plus strand (T>A on the coding strand, the complement: POLE is on the minus strand). VCF-style: chr12-132665359-A-T. GRCh37 (hg19) VCF-style: chr12-133241945-A-T.
Other names: short protein forms L804Q.
Identifiers: ClinVar variation 1462297 (VCV001462297.6), dbSNP rs201668507, ClinGen allele CA387397211.

ClinVar aggregate classification (germline): Uncertain significance (1 of 4 stars; one submission).

Submission:

Labcorp Genetics (formerly Invitae), Labcorp
Classification: Uncertain significance. Last evaluated: 2021-10-30. Review status: criteria provided, single submitter. Criteria: Invitae Variant Classification Sherloc (09022015). Collection method: clinical testing. Allele origin: germline.
Comment: In summary, the available evidence is currently insufficient to determine the role of this variant in disease. Therefore, it has been classified as a Variant of Uncertain Significance. Algorithms developed to predict the effect of sequence changes on RNA splicing suggest that this variant may create or strengthen a splice site. Algorithms developed to predict the effect of missense changes on protein structure and function (SIFT, PolyPhen-2, Align-GVGD) all suggest that this variant is likely to be disruptive. This variant has not been reported in the literature in individuals affected with POLE-related conditions. This variant is not present in population databases (gnomAD no frequency). This sequence change replaces leucine, which is neutral and non-polar, with glutamine, which is neutral and polar, at codon 804 of the POLE protein (p.Leu804Gln).